The following is an entry in ClinVar:

ClinVar aggregate classification (germline): Pathogenic. Review status: criteria provided, multiple submitters, no conflicts (2 of 4 stars). 3 submissions from 3 submitters: Pathogenic (3). Last evaluated 2026-02-17.

Conditions:
Dyskeratosis congenita. Identifiers: Orphanet 1775, MedGen C0265965, MONDO:0015780.
TERT-related disorder. Also called: TERT-related condition; TERT-related disorders.
Dyskeratosis congenita, autosomal dominant 2. Identifiers: MedGen C3151443, MONDO:0013521, OMIM 613989.
Idiopathic Pulmonary Fibrosis. Also called: Idiopathic fibrosing alveolitis, chronic form; idiopathic fibrosing alveolitis. Identifiers: Orphanet 2032, MedGen C1800706, MeSH D054990, MONDO:0800504.

Allele frequency attached by ClinVar (database versions not stated): gnomAD exomes below 0.00001.

Submissions (3):

Ambry Genetics
Classification: Pathogenic for Dyskeratosis congenita. Last evaluated: 2026-02-17. Review status: criteria provided, single submitter. Criteria: Ambry Variant Classification Scheme 2023. Collection method: clinical testing. Allele origin: germline.
Comment: The c.1174_1175delCT pathogenic mutation, located in coding exon 2 of the TERT gene, results from a deletion of two nucleotides at nucleotide positions 1174 to 1175, causing a translational frameshift with a predicted alternate stop codon (p.L392Vfs*146). This variant is considered to be rare based on population cohorts in the Genome Aggregation Database (gnomAD). This variant is expected to result in loss of function by premature protein truncation or nonsense-mediated mRNA decay. As such, this variant is interpreted as a disease-causing mutation.

PreventionGenetics, part of Exact Sciences
Classification: Pathogenic for TERT-related condition. Last evaluated: 2023-09-24. Review status: criteria provided, single submitter. Criteria: ACMG Guidelines, 2015. Collection method: clinical testing. Allele origin: germline.
Comment: The TERT c.1174_1175delCT variant is predicted to result in a frameshift and premature protein termination (p.Leu392Valfs*146). The p.Leu392Valfs*146 variant was reported in an individual with prostate cancer and lymphoma. This individual also had a shortened telomere length (less than 1st percentile tested in granulocytes, Walsh et al. 2019. PubMed ID: 32923861). This variant has not been reported in a large population database, indicating this variant is rare. Frameshift variants in TERT are expected to be pathogenic. This variant is interpreted as pathogenic.

Labcorp Genetics (formerly Invitae), Labcorp
Classification: Pathogenic for Dyskeratosis congenita, autosomal dominant 2; Idiopathic Pulmonary Fibrosis. Last evaluated: 2023-03-01. Review status: criteria provided, single submitter. Criteria: Invitae Variant Classification Sherloc (09022015). Collection method: clinical testing. Allele origin: germline.
Comment: This sequence change creates a premature translational stop signal (p.Leu392Valfs*146) in the TERT gene. It is expected to result in an absent or disrupted protein product. Loss-of-function variants in TERT are known to be pathogenic (PMID: 16247010, 17460043). This variant is not present in population databases (gnomAD no frequency). This premature translational stop signal has been observed in individual(s) with pulmonary fibrosis (Invitae). For these reasons, this variant has been classified as Pathogenic.

Literature cited by the submitters: PubMed 16247010 (cited by Labcorp Genetics (formerly Invitae), Labcorp); PubMed 17460043 (cited by Labcorp Genetics (formerly Invitae), Labcorp).

NM_198253.3(TERT):c.1174_1175del (p.Leu392fs)

Gene: TERT (telomerase reverse transcriptase; minus strand). Cytogenetic location: 5p15.33.
Variant type: Deletion.
Coding change: c.1174_1175del on transcript NM_198253.3 (MANE Select); coding-DNA positions 1174 to 1175, 2 bases deleted (CT; older notation c.1174_1175delCT).
Protein change: p.Leu392fs; shifts the reading frame from leucine 392.
Molecular consequence: frameshift variant. On other transcripts: non-coding transcript variant (2).
Genome position (GRCh38, 1-based): chr5:1,293,711-1,293,712, AG deleted on the plus strand (CT on the coding strand, the reverse complement: TERT is on the minus strand). VCF-style (leftmost placement, unchanged base first): chr5-1293710-CAG-C. GRCh37 (hg19) VCF-style: chr5-1293825-CAG-C.
Other names: c.1174_1175del, p.Leu392fs (NM_001193376.3); c.1174_1175delCT, p.Leu392Valfs (NM_003219.1); short protein forms L392fs.
Identifiers: ClinVar variation 2630701 (VCV002630701.5), dbSNP rs2478413544, ClinGen allele CA2673080623.